The following is an entry in ClinVar:

NM_000548.5(TSC2):c.1245G>T (p.Ala415=)

Gene: TSC2 (TSC complex subunit 2; plus strand). Cytogenetic location: 16p13.3.
Variant type: single nucleotide variant.
Coding change: c.1245G>T on transcript NM_000548.5 (MANE Select); coding-DNA position 1245, G replaced by T.
Protein change: p.Ala415=; no amino-acid change (alanine 415 retained).
Molecular consequence: synonymous variant. On other transcripts: 5 prime UTR variant (10), non-coding transcript variant (5).
Genome position (GRCh38, 1-based): chr16:2,061,996, G>T. VCF-style: chr16-2061996-G-T. GRCh37 (hg19) VCF-style: chr16-2111997-G-T.
Other names: c.1233G>T, p.Ala411= (NM_001406673.1, NM_001406671.1); c.1098G>T, p.Ala366= (NM_001406675.1, NM_001406676.1, NM_001406679.1 and 1 more transcripts); c.1188G>T, p.Ala396= (NM_001406677.1); c.1134G>T, p.Ala378= (NM_001406678.1, NM_001318827.2, NM_001406670.1); c.645G>T, p.Ala215= (NM_001406680.1, NM_001406682.1, NM_001406683.1 and 6 more transcripts); c.783G>T, p.Ala261= (NM_001406681.1); c.-100G>T (NM_001406689.1, NM_001406690.1, NM_001406691.1 and 4 more transcripts); c.1245G>T, p.Ala415= (NM_001077183.3, NM_001114382.3, NM_001363528.2 and 6 more transcripts); and 4 more.
Identifiers: ClinVar variation 4071126 (VCV004071126.1).

ClinVar aggregate classification (germline): Benign (1 of 4 stars; one submission).

Conditions:
Tuberous sclerosis 2 (TSC2). Identifiers: Orphanet 805, MedGen C1860707, MONDO:0013199, OMIM 613254.

gnomAD v4.1: 2 of 1,614,142 alleles (0.00012%); highest among the groups gnomAD compares: Non-Finnish European, 0.00017%; no homozygotes.

Submission:

Myriad Genetics, Inc.
Classification: Benign for Tuberous sclerosis 2. Last evaluated: 2025-05-13. Review status: criteria provided, single submitter. Criteria: Myriad Autosomal Dominant, Autosomal Recessive and X-Linked Classification Criteria (2023). Collection method: clinical testing. Allele origin: unknown.
Comment: This variant is considered benign. This variant is a silent/synonymous amino acid change and it is not expected to impact splicing.